The following is an entry in ClinVar:

NM_000059.4(BRCA2):c.7354A>C (p.Asn2452His)

Gene: BRCA2 (BRCA2 DNA repair associated; plus strand). Cytogenetic location: 13q13.1.
Variant type: single nucleotide variant.
Coding change: c.7354A>C on transcript NM_000059.4 (MANE Select); coding-DNA position 7354, A replaced by C.
Protein change: p.Asn2452His; replaces asparagine 2452 with histidine.
Molecular consequence: missense variant. On other transcripts: non-coding transcript variant (1).
Genome position (GRCh38, 1-based): chr13:32,355,207, A>C. VCF-style: chr13-32355207-A-C. GRCh37 (hg19) VCF-style: chr13-32929344-A-C.
Other names: c.7258A>C, p.Asn2420His (NM_001406719.1); c.7354A>C, p.Asn2452His (NM_001406720.1, NM_001432077.1); c.2422A>C, p.Asn808His (NM_001406721.1); c.937A>C, p.Asn313His (NM_001406722.1); short protein forms N2420H, N2452H, N313H, N808H.
Identifiers: ClinVar variation 4802339 (VCV004802339.1).

ClinVar aggregate classification (germline): Uncertain significance (1 of 4 stars; one submission).

Conditions:
Hereditary breast ovarian cancer syndrome. Also called: Hereditary breast and ovarian cancer syndrome (HBOC); Hereditary breast and ovarian cancer; Breast and ovarian cancer; Hereditary breast and/or ovarian cancer syndrome; BRCA1- and BRCA2-Associated Hereditary Breast and Ovarian Cancer; Hereditary breast and ovarian cancer syndrome. Identifiers: Orphanet 145, MedGen C0677776, MeSH D061325, MONDO:0003582. Disease mechanism: loss of function.

Submission:

Labcorp Genetics (formerly Invitae), Labcorp
Classification: Uncertain significance for Hereditary breast ovarian cancer syndrome. Last evaluated: 2025-11-22. Review status: criteria provided, single submitter. Criteria: Invitae Variant Classification Sherloc (09022015). Collection method: clinical testing. Allele origin: germline.
Comment: This sequence change replaces asparagine, which is neutral and polar, with histidine, which is basic and polar, at codon 2452 of the BRCA2 protein (p.Asn2452His). This variant is not present in population databases (gnomAD no frequency). This variant has not been reported in the literature in individuals affected with BRCA2-related conditions. Invitae Evidence Modeling of protein sequence and biophysical properties (such as structural, functional, and spatial information, amino acid conservation, physicochemical variation, residue mobility, and thermodynamic stability) indicates that this missense variant is not expected to disrupt BRCA2 protein function with a negative predictive value of 95%. In summary, the available evidence is currently insufficient to determine the role of this variant in disease. Therefore, it has been classified as a Variant of Uncertain Significance.